The following is an entry in ClinVar:

ClinVar aggregate classification (germline): Uncertain significance (1 of 4 stars; one submission).

gnomAD v4.1: 2 of 1,613,758 alleles (0.00012%); highest among the groups gnomAD compares: African/African-American, 0.0027%; no homozygotes.

Submission:

GeneDx
Classification: Uncertain significance. Last evaluated: 2024-08-25. Review status: criteria provided, single submitter. Criteria: GeneDx Variant Classification Process June 2021. Collection method: clinical testing. Allele origin: germline. Affected: yes.
Comment: Not observed at significant frequency in large population cohorts (gnomAD); In silico analysis supports that this missense variant has a deleterious effect on protein structure/function; Has not been previously published as pathogenic or benign to our knowledge

NM_139125.4(MASP1):c.556A>G (p.Ser186Gly)

Gene: MASP1 (MBL associated serine protease 1; minus strand). Cytogenetic location: 3q27.3.
Variant type: single nucleotide variant.
Coding change: c.556A>G on transcript NM_139125.4 (MANE Select); coding-DNA position 556, A replaced by G.
Protein change: p.Ser186Gly; replaces serine 186 with glycine.
Molecular consequence: missense variant. On other transcripts: non-coding transcript variant (1).
Genome position (GRCh38, 1-based): chr3:187,256,852, T>C on the plus strand (A>G on the coding strand, the complement: MASP1 is on the minus strand). VCF-style: chr3-187256852-T-C. GRCh37 (hg19) VCF-style: chr3-186974640-T-C.
Other names: c.556A>G, p.Ser186Gly (NM_001031849.3, NM_001879.6); short protein forms S186G.
Identifiers: ClinVar variation 3766217 (VCV003766217.1).
Genomic context (GRCh38, chr3:187,256,852, plus strand): 5'-AAGGGTTTGGGAAGTCAGGGCTGGTGATCACCCCAGTCCTTTGAGTGAAGAGGTTGTCAC[T>C]GCACTCCACTGTTGGAAACATAATAGAGAAAATGGCGCATCGCAACCACAGCCATAGCAA-3'
Protein context (NP_624302.1, residues 176-196): TDNRTCRVEC[Ser186Gly]DNLFTQRTGV